The following is an entry in ClinVar:

ClinVar aggregate classification (germline): Conflicting classifications of pathogenicity. Review status: criteria provided, conflicting classifications (1 of 4 stars). 4 submissions from 4 submitters: Likely pathogenic (1); Uncertain significance (2). 1 of the submissions does not count toward it. Last evaluated 2026-08-10.

Conditions:
Alpha-N-acetylgalactosaminidase deficiency. Identifiers: Orphanet 3137, MedGen C5848084, MONDO:0017779.
Alpha-N-acetylgalactosaminidase deficiency type 1. Also called: ALPHA-N-ACETYLGALACTOSAMINIDASE DEFICIENCY, TYPE I; SCHINDLER DISEASE, TYPE I; NAGA DEFICIENCY, TYPE I; NEUROAXONAL DYSTROPHY, SCHINDLER TYPE. Identifiers: Orphanet 3137, Orphanet 79279, Orphanet 79281, MedGen C1836544, MONDO:0012221, OMIM 609241.
Alpha-N-acetylgalactosaminidase deficiency type 2. Also called: ALPHA-N-ACETYLGALACTOSAMINIDASE DEFICIENCY, TYPE II; NAGA DEFICIENCY, TYPE II; SCHINDLER DISEASE, TYPE II. Identifiers: Orphanet 3137, Orphanet 79280, MedGen C1836522, MONDO:0012222, OMIM 609242.

Allele frequency attached by ClinVar (database versions not stated): TOPMed 0.00003; gnomAD 0.00004 and 0.00005; gnomAD exomes 0.00004 and 0.00007; ExAC 0.00005; 1000 Genomes Project 30x 0.00016; 1000 Genomes Project 0.00020.
gnomAD v4.1: 66 of 1,614,178 alleles (0.0041%); highest among the groups gnomAD compares: East Asian, 0.029%; no homozygotes.

Submissions (4):

Myriad Genetics, Inc.
Classification: Uncertain significance for Alpha-N-acetylgalactosaminidase deficiency. Last evaluated: 2026-08-10. Review status: criteria provided, single submitter. Criteria: Myriad Autosomal Dominant, Autosomal Recessive and X-Linked Classification Criteria (2023). Collection method: clinical testing. Allele origin: unknown.
Comment: NM_000262.2(NAGA):c.986G>A(R329Q) is a missense variant classified as a variant of uncertain significance in the context of NAGA-related disorders. R329Q has been observed in a case with relevant disease (PMID: 11251574). Relevant functional assessments of this variant are not available in the literature. R329Q has been observed in referenced population frequency databases. In summary, there is insufficient evidence to classify NM_000262.2(NAGA):c.986G>A(R329Q) as pathogenic or benign. Please note: this variant was assessed in the context of healthy population screening.

Women's Health and Genetics/Laboratory Corporation of America, LabCorp
Classification: Uncertain significance. Last evaluated: 2024-12-10. Review status: criteria provided, single submitter. Criteria: LabCorp Variant Classification Summary - May 2015. Collection method: clinical testing. Allele origin: germline.
Comment: Variant summary: NAGA c.986G>A (p.Arg329Gln) results in a conservative amino acid change located in the Alpha galactosidase A C-terminal beta sandwich domain (IPR035373) of the encoded protein sequence. Four of five in-silico tools predict a damaging effect of the variant on protein function. The variant allele was found at a frequency of 6.8e-05 in 251438 control chromosomes. This frequency is not significantly higher than estimated for a pathogenic variant in NAGA causing Kanzaki Disease (6.8e-05 vs 0.0011), allowing no conclusion about variant significance. c.986G>A has been reported in the literature in individuals affected with Kanzaki Disease (Kodama_2001). These data indicate that the variant may be associated with disease. To our knowledge, no experimental evidence demonstrating an impact on protein function has been reported. The following publication have been ascertained in the context of this evaluation (PMID: 11251574). ClinVar contains an entry for this variant (Variation ID: 18166). Based on the evidence outlined above, the variant was classified as VUS-possibly pathogenic.

Fulgent Genetics
Classification: Likely pathogenic for Alpha-N-acetylgalactosaminidase deficiency type 1; Alpha-N-acetylgalactosaminidase deficiency type 2. Last evaluated: 2024-04-11. Review status: criteria provided, single submitter. Criteria: ACMG Guidelines, 2015. Collection method: clinical testing. Allele origin: germline.

OMIM
Classification: Pathogenic for KANZAKI DISEASE. Last evaluated: 2001-02-01. Review status: no assertion criteria provided. Collection method: literature only. Allele origin: germline. Not counted in ClinVar's aggregate classification.

Literature cited by the submitters: PubMed 11251574 (cited by 3 submitters).

NM_000262.3(NAGA):c.986G>A (p.Arg329Gln)

Gene: NAGA (alpha-N-acetylgalactosaminidase; minus strand). Cytogenetic location: 22q13.2.
Variant type: single nucleotide variant.
Coding change: c.986G>A on transcript NM_000262.3 (MANE Select); coding-DNA position 986, G replaced by A.
Protein change: p.Arg329Gln; replaces arginine 329 with glutamine.
Molecular consequence: missense variant.
Genome position (GRCh38, 1-based): chr22:42,061,039, C>T on the plus strand (G>A on the coding strand, the complement: NAGA is on the minus strand). VCF-style: chr22-42061039-C-T. GRCh37 (hg19) VCF-style: chr22-42457043-C-T.
Other names: c.986G>A, p.Arg329Gln (NM_001362848.1, NM_001362850.1); short protein forms R329Q.
Identifiers: ClinVar variation 18166 (VCV000018166.8), dbSNP rs121434533, ClinGen allele CA127853.